The following is an entry in ClinVar:

ClinVar aggregate classification (germline): Pathogenic/Likely pathogenic. Review status: criteria provided, multiple submitters, no conflicts (2 of 4 stars). 12 submissions from 11 submitters: Pathogenic (8); Likely pathogenic (1). 3 of the submissions do not count toward it. Last evaluated 2026-06-01.

Conditions:
Myopathy with tubular aggregates (TAM). Also called: Tubular Aggregate Myopathy. Identifiers: Orphanet 2593, MedGen C0410207, MONDO:0008051.
Creatine phosphokinase, elevated serum. Also called: HYPERCKEMIA, IDIOPATHIC. Identifiers: MedGen C4724975, MONDO:0007402, OMIM 123320.
Cardiovascular phenotype. Identifiers: MedGen CN230736.
Long QT syndrome (LQTS). Identifiers: MedGen C0023976, MeSH D008133, MONDO:0002442. Disease mechanism: loss of function. Inheritance: Various modes of inheritance.
Rippling muscle disease 2 (RMD2). Also called: Limb-girdle muscular dystrophy, type 1C; CAV3-Related Rippling Muscle Disease. Identifiers: Orphanet 265, MedGen C1832560, MONDO:0019947, OMIM 606072.
Elevated circulating creatine kinase activity. Also called: Elevated serum creatine phosphokinase; Elevated creatine kinase; Elevated circulating creatine kinase concentration. Identifiers: MedGen C0241005, HP:0003236.

Submissions (12):

CeGaT Center for Human Genetics Tuebingen
Classification: Pathogenic. Last evaluated: 2026-06-01. Review status: criteria provided, single submitter. Criteria: CeGaT Center For Human Genetics Tuebingen Variant Classification Criteria Version 2. Collection method: clinical testing. Allele origin: germline. Affected: yes. Observed: 2 variant alleles.
Comment: CAV3: PP1:Strong, PS4, PM2, PM6, PS3:Supporting

Labcorp Genetics (formerly Invitae), Labcorp
Classification: Pathogenic for Long QT syndrome. Last evaluated: 2025-08-18. Review status: criteria provided, single submitter. Criteria: Invitae Variant Classification Sherloc (09022015). Collection method: clinical testing. Allele origin: germline.
Comment: This sequence change replaces alanine, which is neutral and non-polar, with threonine, which is neutral and polar, at codon 46 of the CAV3 protein (p.Ala46Thr). This variant is not present in population databases (gnomAD no frequency). This missense change has been observed in individual(s) with caveolinopathies (PMID: 11001938, 11431690, 15580566, 18583131, 20229577, 21660982, 22976939, 26947586). In at least one individual the variant was observed to be de novo. It has also been observed to segregate with disease in related individuals. This variant is also known as p.Ala45Thr. ClinVar contains an entry for this variant (Variation ID: 8281). An algorithm developed to predict the effect of missense changes on protein structure and function (PolyPhen-2) suggests that this variant is likely to be disruptive. Experimental studies have shown that this missense change affects CAV3 function (PMID: 11431690, 20472890). For these reasons, this variant has been classified as Pathogenic.

Revvity Omics, Revvity
Classification: Pathogenic. Last evaluated: 2024-10-22. Review status: criteria provided, single submitter. Criteria: ACMG Guidelines, 2015. Collection method: clinical testing. Allele origin: germline.

Muscle and Diseases Team, Institut de Génétique et Biologie Moléculaire et Cellulaire
Classification: Likely pathogenic for Myopathy with tubular aggregates. Last evaluated: 2024-03-01. Review status: criteria provided, single submitter. Criteria: ACMG Guidelines, 2015. Collection method: research. Allele origin: unknown. Affected: yes. Observed: 1 variant allele.
Comment: PM1+PM2+PM6+PP2+PP3+PP5

GeneDx
Classification: Pathogenic. Last evaluated: 2022-08-31. Review status: criteria provided, single submitter. Criteria: GeneDx Variant Classification Process June 2021. Collection method: clinical testing. Allele origin: germline. Affected: yes.
Comment: Published functional studies demonstrate a damaging effect (Brauers et al., 2010); Not observed at significant frequency in large population cohorts (gnomAD); In silico analysis supports that this missense variant has a deleterious effect on protein structure/function; This variant is associated with the following publications: (PMID: 15580566, 20229577, 11431690, 31862442, 20472890, 22976939, 21660982, 18583131, 11001938, 26947586, 28807458, 33963534, 32528171, 25630502, 17994539)

Ambry Genetics
Classification: Pathogenic for Cardiovascular phenotype. Last evaluated: 2021-02-19. Review status: criteria provided, single submitter. Criteria: Ambry Variant Classification Scheme 2023. Collection method: clinical testing. Allele origin: germline.
Comment: The p.A46T pathogenic mutation (also known as p.A45T and c.136G>A), located in coding exon 2 of the CAV3 gene, results from a G to A substitution at nucleotide position 136. The alanine at codon 46 is replaced by threonine, an amino acid with similar properties. This mutation has been reported in individuals with a range of caveolinopathies, including limb girdle muscular dystrophy type 1C, rippling muscle disease, hyperCKemia, and asymmetric distal myopathy (Fulizio L et al. Hum Mutat, 2005 Jan;25:82-9; Guglieri M et al. Hum Mutat, 2008 Feb;29:258-66; Aboumousa A et al. Neuromuscul Disord, 2008 Jul;18:572-8; Harris E et al. Orphanet J Rare Dis, 2017 09;12:151). This variant also showed segregation with affected phenotypes across multiple generations in a large Swedish family (Sundblom J et al. Muscle Nerve, 2010 Jun;41:751-7). In addition, at least three reportedly de novo cases with absent or reduced CAV3 expression have been documented (Herrmann R et al. Hum Mol Genet, 2000 Sep;9:2335-40; Arias G&oacute;mez M et al. Muscle Nerve, 2011 Jul;44:126-8; Chen J et al. Neuropathology, 2016 Oct;36:485-489). Limited functional studies also demonstrated lower CAV3 surface expression (Brauers E et al. Am J Pathol, 2010 Jul;177:261-70). Based on the supporting evidence, this alteration is interpreted as a disease-causing mutation.

Eurofins Ntd Llc (ga)
Classification: Pathogenic. Last evaluated: 2017-01-06. Review status: criteria provided, single submitter. Criteria: EGL Classification Definitions 2015. Collection method: clinical testing. Allele origin: germline. Observed: 1 variant allele, 1 heterozygote.

Athena Diagnostics
Classification: Pathogenic. Last evaluated: 2016-09-07. Review status: criteria provided, single submitter. Criteria: Athena Diagnostics Criteria. Collection method: clinical testing. Allele origin: germline.

Clinical Genetics Service, Universitary Hospital 12 de Octubre
Classification: Pathogenic for Creatine phosphokinase, elevated serum. Review status: criteria provided, single submitter. Criteria: ACMG Guidelines, 2015. Collection method: clinical testing. Allele origin: germline. Affected: yes.

Leiden Muscular Dystrophy (CAV3)
No classification provided. Last evaluated: 2012-04-15. Review status: no classification provided. Collection method: curation. Allele origin: de novo, germline. Not counted in ClinVar's aggregate classification.

OMIM
Classification: Pathogenic for RIPPLING MUSCLE DISEASE 2. Last evaluated: 2005-01-01. Review status: no assertion criteria provided. Collection method: literature only. Allele origin: germline. Not counted in ClinVar's aggregate classification.

OMIM
Classification: Pathogenic for CREATINE PHOSPHOKINASE, ELEVATED SERUM. Last evaluated: 2005-01-01. Review status: no assertion criteria provided. Collection method: literature only. Allele origin: germline. Not counted in ClinVar's aggregate classification.

Literature cited by the submitters: PubMed 11001938 (cited by 4 submitters); PubMed 11431690 (cited by 3 submitters); PubMed 15580566 (cited by 4 submitters); PubMed 18583131 (cited by 3 submitters); PubMed 20229577 (cited by 3 submitters); PubMed 21660982 (cited by 3 submitters); PubMed 22976939 (cited by 3 submitters); PubMed 26947586 (cited by 3 submitters); PubMed 20472890 (cited by 3 submitters); DOI 10.1186/s13073-024-01353-0 (cited by Muscle and Diseases Team, Institut de Génétique et Biologie Moléculaire et Cellulaire); PubMed 17994539 (cited by Ambry Genetics); PubMed 28807458 (cited by Ambry Genetics); PubMed 28877744 (cited by Ambry Genetics); PubMed 30055862 (cited by OMIM); PubMed 10227634 (cited by OMIM); PubMed 1146501 (cited by OMIM).

NM_033337.3(CAV3):c.136G>A (p.Ala46Thr)

Genes: CAV3 (caveolin 3; plus strand), OXTR (oxytocin receptor; minus strand). Cytogenetic location: 3p25.3.
Variant type: single nucleotide variant.
Coding change: c.136G>A on transcript NM_033337.3 (MANE Select); coding-DNA position 136, G replaced by A.
Protein change: p.Ala46Thr; replaces alanine 46 with threonine.
Molecular consequence: missense variant.
Genome position (GRCh38, 1-based): chr3:8,745,547, G>A. VCF-style: chr3-8745547-G-A. GRCh37 (hg19) VCF-style: chr3-8787233-G-A.
Other names: c.136G>A, p.Ala46Thr (NM_001234.5); short protein forms A46T.
Identifiers: ClinVar variation 8281 (VCV000008281.61), dbSNP rs116840789, ClinGen allele CA119428.